The following is an entry in ClinVar:

ClinVar aggregate classification (germline): Likely pathogenic (1 of 4 stars; one submission).

Submission:

GeneDx
Classification: Likely pathogenic. Last evaluated: 2024-06-28. Review status: criteria provided, single submitter. Criteria: GeneDx Variant Classification Process June 2021. Collection method: clinical testing. Allele origin: germline.
Comment: Not observed at significant frequency in large population cohorts (gnomAD); In silico analysis supports a deleterious effect on protein structure/function; Has not been previously published as pathogenic or benign to our knowledge

NM_001378418.1(TCF20):c.3211_3212delinsAT (p.Ala1071Ile)

Gene: TCF20 (transcription factor 20; minus strand). Cytogenetic location: 22q13.2.
Variant type: Indel.
Coding change: c.3211_3212delinsAT on transcript NM_001378418.1 (MANE Select); coding-DNA positions 3211 to 3212, GC replaced by AT.
Protein change: p.Ala1071Ile; replaces alanine 1071 with isoleucine.
Molecular consequence: missense variant.
Genome position (GRCh38, 1-based): chr22:42,212,094-42,212,095, GC replaced by AT on the plus strand (GC replaced by AT on the coding strand, the reverse complement: TCF20 is on the minus strand). VCF-style: chr22-42212094-GC-AT. GRCh37 (hg19) VCF-style: chr22-42608100-GC-AT.
Other names: c.3211_3212delinsAT, p.Ala1071Ile (NM_005650.4, NM_181492.3); short protein forms A1071I.
Identifiers: ClinVar variation 2504900 (VCV002504900.2), dbSNP rs2518218696, ClinGen allele CA2580615328.